The following is an entry in ClinVar:

ClinVar aggregate classification (germline): Benign/Likely benign. Review status: criteria provided, multiple submitters, no conflicts (2 of 4 stars). 13 submissions from 13 submitters: Benign (8); Likely benign (1). 4 of the submissions do not count toward it. Last evaluated 2026-02-03.

Conditions:
Cardiovascular phenotype. Identifiers: MedGen CN230736.
Myofibrillar myopathy 5. Also called: Filaminopathy (type); FILAMINOPATHY, AUTOSOMAL DOMINANT. Identifiers: Orphanet 171445, MedGen C1836050, MONDO:0012289, OMIM 609524.
Distal myopathy with posterior leg and anterior hand involvement. Also called: WILLIAMS DISTAL MYOPATHY. Identifiers: Orphanet 63273, MedGen C3279722, MONDO:0013550, OMIM 614065.
Hypertrophic cardiomyopathy 26. Also called: Cardiomyopathy, familial hypertrophic, 26. Identifiers: Orphanet 75249, MedGen C4310749, MONDO:0014883, OMIM 617047.

Allele frequency attached by ClinVar (database versions not stated): gnomAD exomes 0.00397 and 0.00949; ExAC 0.01061; ESP Exome Variant Server 0.01342; gnomAD 0.01465 and 0.01548; TOPMed 0.01659; 1000 Genomes Project 30x 0.02249; 1000 Genomes Project 0.02376.
gnomAD v4.1: 8,193 of 1,608,226 alleles (0.51%); highest among the groups gnomAD compares: African/African-American, 3.6%; 159 homozygotes.

Submissions (13):

Labcorp Genetics (formerly Invitae), Labcorp
Classification: Benign for Distal myopathy with posterior leg and anterior hand involvement; Myofibrillar myopathy 5; Hypertrophic cardiomyopathy 26. Last evaluated: 2026-02-03. Review status: criteria provided, single submitter. Criteria: Invitae Variant Classification Sherloc (09022015). Collection method: clinical testing. Allele origin: germline.

Molecular Diagnostic Laboratory for Inherited Cardiovascular Disease, Montreal Heart Institute
Classification: Benign. Last evaluated: 2025-04-09. Review status: criteria provided, single submitter. Criteria: ACMG Guidelines, 2015. Collection method: clinical testing. Allele origin: germline. Affected: no.

Blueprint Genetics
Classification: Likely benign. Last evaluated: 2024-11-27. Review status: criteria provided, single submitter. Criteria: ACMG Guidelines, 2015. Collection method: clinical testing. Allele origin: germline.

Women's Health and Genetics/Laboratory Corporation of America, LabCorp
Classification: Benign. Last evaluated: 2024-01-15. Review status: criteria provided, single submitter. Criteria: LabCorp Variant Classification Summary - May 2015. Collection method: clinical testing. Allele origin: germline.

Mayo Clinic Laboratories, Mayo Clinic
Classification: Benign. Last evaluated: 2023-03-30. Review status: criteria provided, single submitter. Criteria: ACMG Guidelines, 2015. Collection method: clinical testing. Allele origin: germline. Observed: 28 variant alleles.
Comment: BS1, BS2, BP4, BP7

Athena Diagnostics
Classification: Benign. Last evaluated: 2020-02-14. Review status: criteria provided, single submitter. Criteria: Athena Diagnostics Criteria. Collection method: clinical testing. Allele origin: unknown.

Ambry Genetics
Classification: Benign for Cardiovascular phenotype. Last evaluated: 2018-12-26. Review status: criteria provided, single submitter. Criteria: Ambry Variant Classification Scheme 2023. Collection method: clinical testing. Allele origin: germline.

GeneDx
Classification: Benign. Last evaluated: 2016-07-22. Review status: criteria provided, single submitter. Criteria: GeneDx Variant Classification (06012015). Collection method: clinical testing. Allele origin: germline. Affected: yes.
Comment: This variant is considered likely benign or benign based on one or more of the following criteria: it is a conservative change, it occurs at a poorly conserved position in the protein, it is predicted to be benign by multiple in silico algorithms, and/or has population frequency not consistent with disease.

Breakthrough Genomics
Classification: Benign. Review status: criteria provided, single submitter. Criteria: ACMG Guidelines, 2015. Collection method: not provided. Allele origin: germline. Inheritance: Autosomal dominant inheritance. Affected: yes.

Clinical Genetics, Academic Medical Center
Classification: Benign. Review status: no assertion criteria provided. Collection method: clinical testing. Allele origin: germline. Affected: yes. Study: VKGL Data-share Consensus. Not counted in ClinVar's aggregate classification.

Genetic Services Laboratory, University of Chicago
Classification: Likely benign for AllHighlyPenetrant. Review status: no assertion criteria provided. Collection method: clinical testing. Allele origin: germline. Inheritance: Autosomal dominant inheritance. Not counted in ClinVar's aggregate classification.
Comment: Likely benign based on allele frequency in 1000 Genomes Project or ESP global frequency and its presence in a patient with a rare or unrelated disease phenotype. NOT Sanger confirmed.

Joint Genome Diagnostic Labs from Nijmegen and Maastricht, Radboudumc and MUMC+
Classification: Benign. Review status: no assertion criteria provided. Collection method: clinical testing. Allele origin: germline. Affected: yes. Study: VKGL Data-share Consensus. Not counted in ClinVar's aggregate classification.

Laboratory of Diagnostic Genome Analysis, Leiden University Medical Center (LUMC)
Classification: Likely benign. Review status: no assertion criteria provided. Collection method: clinical testing. Allele origin: germline. Affected: yes. Study: VKGL Data-share Consensus. Not counted in ClinVar's aggregate classification.

Literature cited by the submitters: PubMed 20578970 (cited by Mayo Clinic Laboratories, Mayo Clinic); PubMed 21135393 (cited by Athena Diagnostics).

NM_001458.5(FLNC):c.8118C>T (p.Leu2706=)

Genes: FLNC (filamin C; plus strand), FLNC-AS1 (FLNC antisense RNA 1; minus strand). Cytogenetic location: 7q32.1.
Variant type: single nucleotide variant.
Coding change: c.8118C>T on transcript NM_001458.5 (MANE Select); coding-DNA position 8118, C replaced by T.
Protein change: p.Leu2706=; no amino-acid change (leucine 2706 retained).
Molecular consequence: synonymous variant.
Genome position (GRCh38, 1-based): chr7:128,858,463, C>T. VCF-style: chr7-128858463-C-T. GRCh37 (hg19) VCF-style: chr7-128498517-C-T.
Other names: p.Leu2706=; c.8019C>T, p.Leu2673= (NM_001127487.2).
Identifiers: ClinVar variation 129100 (VCV000129100.28), dbSNP rs28379666, ClinGen allele CA152887.